The following is an entry in ClinVar:

NM_002516.4(NOVA2):c.1158C>A (p.Ala386=)

Gene: NOVA2 (NOVA alternative splicing regulator 2; minus strand). Cytogenetic location: 19q13.32.
Variant type: single nucleotide variant.
Coding change: c.1158C>A on transcript NM_002516.4 (MANE Select); coding-DNA position 1158, C replaced by A.
Protein change: p.Ala386=; no amino-acid change (alanine 386 retained).
Molecular consequence: synonymous variant.
Genome position (GRCh38, 1-based): chr19:45,940,184, G>T on the plus strand (C>A on the coding strand, the complement: NOVA2 is on the minus strand). VCF-style: chr19-45940184-G-T. GRCh37 (hg19) VCF-style: chr19-46443442-G-T.
Identifiers: ClinVar variation 3037475 (VCV003037475.2), dbSNP rs1967724886, ClinGen allele CA507969376.

ClinVar aggregate classification (germline): Likely benign (0 of 4 stars; one submission).

Conditions:
NOVA2-related disorder. Also called: NOVA2-related condition.

Submission:

PreventionGenetics, part of Exact Sciences
Classification: Likely benign for NOVA2-related condition. Last evaluated: 2023-04-26. Review status: no assertion criteria provided. Collection method: clinical testing. Allele origin: germline.
Comment: This variant is classified as likely benign based on ACMG/AMP sequence variant interpretation guidelines (Richards et al. 2015 PMID: 25741868, with internal and published modifications).